The following is an entry in ClinVar:

ClinVar aggregate classification (germline): Pathogenic. Review status: criteria provided, multiple submitters, no conflicts (2 of 4 stars). 2 submissions from 2 submitters: Pathogenic (2). Last evaluated 2024-02-22.

Conditions:
PHKB-related disorder. Also called: PHKB-related condition.
Glycogen storage disease IXb (GSD9B). Also called: PHOSPHORYLASE KINASE DEFICIENCY OF LIVER AND MUSCLE, AUTOSOMAL RECESSIVE; GLYCOGENOSIS OF LIVER AND MUSCLE, AUTOSOMAL RECESSIVE; GSD IXb. Identifiers: Orphanet 79240, MedGen C0543514, MONDO:0009868, OMIM 261750.

Allele frequency attached by ClinVar (database versions not stated): TOPMed below 0.00001; ExAC 0.00001; gnomAD exomes 0.00001; gnomAD 0.00002.
gnomAD v4.1: 13 of 1,560,894 alleles (0.00083%); highest among the groups gnomAD compares: Non-Finnish European, 0.0011%; no homozygotes.

Submissions (2):

Labcorp Genetics (formerly Invitae), Labcorp
Classification: Pathogenic for Glycogen storage disease IXb. Last evaluated: 2024-02-22. Review status: criteria provided, single submitter. Criteria: Invitae Variant Classification Sherloc (09022015). Collection method: clinical testing. Allele origin: germline.
Comment: This sequence change affects an acceptor splice site in intron 28 of the PHKB gene. It is expected to disrupt RNA splicing. Variants that disrupt the donor or acceptor splice site typically lead to a loss of protein function (PMID: 16199547), and loss-of-function variants in PHKB are known to be pathogenic (PMID: 9215682, 9326319). This variant is present in population databases (rs764133797, gnomAD 0.002%). Disruption of this splice site has been observed in individual(s) with clinical features of glycogen storage disease type IXb (PMID: 9215682, 9326319). In at least one individual the data is consistent with being in trans (on the opposite chromosome) from a pathogenic variant. This variant is also known as 2896 –2911. ClinVar contains an entry for this variant (Variation ID: 2637056). Algorithms developed to predict the effect of sequence changes on RNA splicing suggest that this variant may disrupt the consensus splice site. For these reasons, this variant has been classified as Pathogenic.

PreventionGenetics, part of Exact Sciences
Classification: Pathogenic for PHKB-related condition. Last evaluated: 2022-10-04. Review status: criteria provided, single submitter. Criteria: ACMG Guidelines, 2015. Collection method: clinical testing. Allele origin: germline.
Comment: The PHKB c.2875-1G>T variant is predicted to disrupt the AG splice acceptor site and interfere with normal splicing. This variant can also be referred to as c.2896-1G>T with an alternative transcript (NM_000293). This variant in the compound heterozygous condition was reported in several individuals with glycogen storage disease type (reported as IVS30-1, Figure 4, van den Berg. 1997. PubMed ID: 9326319; Reported as as c.2896-1G>T in Table 1, Burwinkel. 1997. PubMed ID: 9215682; PMID: 33858366). RNA studies evidenced that the c.2875-1G>T lead to abnormal splicing (Figure 2, van den Berg. 1997. PubMed ID: 9326319). This variant is reported in 0.0018% of alleles in individuals of European (Non-Finnish) descent in gnomAD. Variants that disrupt the consensus splice acceptor site in PHKB are expected to be pathogenic. This variant is interpreted as pathogenic.

Literature cited by the submitters: PubMed 16199547 (cited by Labcorp Genetics (formerly Invitae), Labcorp); PubMed 9215682 (cited by Labcorp Genetics (formerly Invitae), Labcorp); PubMed 9326319 (cited by Labcorp Genetics (formerly Invitae), Labcorp).

NM_000293.3(PHKB):c.2896-1G>T

Gene: PHKB (phosphorylase kinase regulatory subunit beta; plus strand). Cytogenetic location: 16q12.1.
Variant type: single nucleotide variant.
Coding change: c.2896-1G>T on transcript NM_000293.3 (MANE Select); the canonical splice acceptor site of the intron before coding-DNA position 2896, G replaced by T.
Molecular consequence: splice acceptor variant.
Genome position (GRCh38, 1-based): chr16:47,696,380, G>T. VCF-style: chr16-47696380-G-T. GRCh37 (hg19) VCF-style: chr16-47730291-G-T.
Other names: c.2896-1G>T (NM_001363837.1); c.2875-1G>T (NM_001031835.3).
Identifiers: ClinVar variation 2637056 (VCV002637056.4), dbSNP rs764133797, ClinGen allele CA8041374.